The following is an entry in ClinVar:

ClinVar aggregate classification (germline): Pathogenic. Review status: criteria provided, multiple submitters, no conflicts (2 of 4 stars). 2 submissions from 2 submitters: Pathogenic (2). Last evaluated 2025-02-26.

Conditions:
Retinitis pigmentosa (RP). Identifiers: Orphanet 791, MedGen C0035334, MeSH D012174, MONDO:0019200, OMIM 268000. Inheritance: Autosomal dominant, autosomal recessive and X linked inheritance.
Usher syndrome type 1B (USH1B). Also called: Usher syndrome type IB. Identifiers: MedGen C1848638, MONDO:0700087.

Submissions (2):

Natera, Inc.
Classification: Pathogenic for Usher syndrome type 1B. Last evaluated: 2025-02-26. Review status: criteria provided, single submitter. Criteria: Natera Variant Classification Schema (03/2026). Collection method: clinical testing. Allele origin: germline.
Comment: The c.535_536del variant in MYO7A is a frameshift variant predicted to shift the reading frame beginning at codon 179 and leads to a stop codon 7 codons downstream. This variant is expected to result in nonsense mediated decay, truncation, or a dysfunctional protein product. This variant is rare in the general population with a frequency below the threshold expected for the associated phenotype(s). This variant has been observed in one or more individuals affected with the associated recessive disease, as either homozygous or compound heterozygous with a second variant (PMID: 37544434). Given the available evidence, this variant is classified as Pathogenic.

Institute of Medical Genetics and Applied Genomics, University Hospital Tübingen
Classification: Pathogenic for Retinitis pigmentosa. Last evaluated: 2023-12-27. Review status: criteria provided, single submitter. Criteria: ACMG Guidelines, 2015. Collection method: clinical testing. Allele origin: germline. Inheritance: Autosomal recessive inheritance. Affected: yes.

Literature cited by the submitters: PubMed 37544434 (cited by Natera, Inc.).

NM_000260.4(MYO7A):c.535_536del (p.Ser179fs)

Gene: MYO7A (myosin VIIA; plus strand). Cytogenetic location: 11q13.5.
Variant type: Deletion.
Coding change: c.535_536del on transcript NM_000260.4 (MANE Select); coding-DNA positions 535 to 536, 2 bases deleted (AG; older notation c.535_536delAG).
Protein change: p.Ser179fs; shifts the reading frame from serine 179.
Molecular consequence: frameshift variant.
Genome position (GRCh38, 1-based): chr11:77,156,724-77,156,725, AG deleted. VCF-style (leftmost placement, unchanged base first): chr11-77156723-CAG-C. GRCh37 (hg19) VCF-style: chr11-76867769-CAG-C.
Other names: c.535_536del, p.Ser179fs (NM_001127180.2); c.502_503del, p.Ser168fs (NM_001369365.1); c.535_536del (NM_000260.3); short protein forms S168fs, S179fs.
Identifiers: ClinVar variation 2674646 (VCV002674646.3), dbSNP rs2496744582, ClinGen allele CA2695215130.